The following is an entry in ClinVar:

ClinVar aggregate classification (germline): Uncertain significance. Review status: criteria provided, multiple submitters, no conflicts (2 of 4 stars). 3 submissions from 3 submitters: Uncertain significance (3). Last evaluated 2025-08-11.

Conditions:
Combined immunodeficiency due to DOCK8 deficiency (HIES2). Also called: DOCK8 Deficiency; HIES autosomal recessive; Hyper-IgE recurrent infection syndrome, autosomal recessive; HYPER-IgE RECURRENT INFECTION SYNDROME 2, AUTOSOMAL RECESSIVE; HYPER-IgE SYNDROME 2, AUTOSOMAL RECESSIVE, WITH RECURRENT INFECTIONS. Identifiers: Orphanet 217390, MedGen C4722305, MONDO:0009478, OMIM 243700.

Allele frequency attached by ClinVar (database versions not stated): gnomAD 0.00001; TOPMed 0.00002; gnomAD exomes 0.00003 and 0.00007; ExAC 0.00009; 1000 Genomes Project 30x 0.00016; 1000 Genomes Project 0.00020.
gnomAD v4.1: 50 of 1,614,180 alleles (0.0031%); highest among the groups gnomAD compares: East Asian, 0.091%; no homozygotes.

Submissions (3):

Labcorp Genetics (formerly Invitae), Labcorp
Classification: Uncertain significance for Combined immunodeficiency due to DOCK8 deficiency. Last evaluated: 2025-08-11. Review status: criteria provided, single submitter. Criteria: Invitae Variant Classification Sherloc (09022015). Collection method: clinical testing. Allele origin: germline.
Comment: This sequence change replaces glutamine, which is neutral and polar, with arginine, which is basic and polar, at codon 1635 of the DOCK8 protein (p.Gln1635Arg). This variant is present in population databases (rs200869192, gnomAD 0.08%). This variant has not been reported in the literature in individuals affected with DOCK8-related conditions. ClinVar contains an entry for this variant (Variation ID: 644308). Invitae Evidence Modeling of protein sequence and biophysical properties (such as structural, functional, and spatial information, amino acid conservation, physicochemical variation, residue mobility, and thermodynamic stability) indicates that this missense variant is expected to disrupt DOCK8 protein function with a positive predictive value of 80%. In summary, the available evidence is currently insufficient to determine the role of this variant in disease. Therefore, it has been classified as a Variant of Uncertain Significance.

Revvity Omics, Revvity
Classification: Uncertain significance for Combined immunodeficiency due to DOCK8 deficiency. Last evaluated: 2020-10-02. Review status: criteria provided, single submitter. Criteria: ACMG Guidelines, 2015. Collection method: clinical testing. Allele origin: germline.

Illumina Laboratory Services, Illumina
Classification: Uncertain significance for Combined immunodeficiency due to DOCK8 deficiency. Last evaluated: 2018-01-12. Review status: criteria provided, single submitter. Criteria: ICSL Variant Classification Criteria 13 December 2019. Collection method: clinical testing. Allele origin: germline.

NM_203447.4(DOCK8):c.4904A>G (p.Gln1635Arg)

Gene: DOCK8 (dedicator of cytokinesis 8; plus strand). Cytogenetic location: 9p24.3.
Variant type: single nucleotide variant.
Coding change: c.4904A>G on transcript NM_203447.4 (MANE Select); coding-DNA position 4904, A replaced by G.
Protein change: p.Gln1635Arg; replaces glutamine 1635 with arginine.
Molecular consequence: missense variant.
Genome position (GRCh38, 1-based): chr9:434,800, A>G. VCF-style: chr9-434800-A-G. GRCh37 (hg19) VCF-style: chr9-434800-A-G.
Other names: c.4604A>G, p.Gln1535Arg (NM_001190458.2); c.4700A>G, p.Gln1567Arg (NM_001193536.2); short protein forms Q1535R, Q1567R, Q1635R.
Identifiers: ClinVar variation 644308 (VCV000644308.14), dbSNP rs200869192, ClinGen allele CA4959251.